The following is an entry in ClinVar:

NM_020911.2(PLXNA4):c.375C>A (p.Asn125Lys)

Gene: PLXNA4 (plexin A4; minus strand). Cytogenetic location: 7q32.3.
Variant type: single nucleotide variant.
Coding change: c.375C>A on transcript NM_020911.2 (MANE Select); coding-DNA position 375, C replaced by A.
Protein change: p.Asn125Lys; replaces asparagine 125 with lysine.
Molecular consequence: missense variant.
Genome position (GRCh38, 1-based): chr7:132,508,319, G>T on the plus strand (C>A on the coding strand, the complement: PLXNA4 is on the minus strand). VCF-style: chr7-132508319-G-T. GRCh37 (hg19) VCF-style: chr7-132193078-G-T.
Other names: c.375C>A, p.Asn125Lys (NM_001105543.2, NM_001393897.1, NM_181775.4); short protein forms N125K.
Identifiers: ClinVar variation 4996756 (VCV004996756.1).

ClinVar aggregate classification (germline): Uncertain significance (1 of 4 stars; one submission).

Conditions:
PLXNA4-related disorder. Also called: PLXNA4-related condition.

gnomAD v4.1: 5 of 1,614,220 alleles (0.00031%); highest among the groups gnomAD compares: South Asian, 0.0011%; no homozygotes.

Submission:

PreventionGenetics, part of Exact Sciences
Classification: Uncertain significance for PLXNA4-related condition. Last evaluated: 2025-06-06. Review status: criteria provided, single submitter. Criteria: ACMG Guidelines, 2015. Collection method: clinical testing. Allele origin: germline.
Comment: The PLXNA4 c.375C>A variant is predicted to result in the amino acid substitution p.Asn125Lys. To our knowledge, this variant has not been reported in the literature. This variant is reported in 0.0033% of alleles in individuals of South Asian descent in gnomAD. At this time, the clinical significance of this variant is uncertain due to the absence of conclusive functional and genetic evidence.